The following is an entry in ClinVar:

NM_006245.4(PPP2R5D):c.394G>A (p.Val132Met)

Gene: PPP2R5D (protein phosphatase 2 regulatory subunit B'delta; plus strand). Cytogenetic location: 6p21.1.
Variant type: single nucleotide variant.
Coding change: c.394G>A on transcript NM_006245.4 (MANE Select); coding-DNA position 394, G replaced by A.
Protein change: p.Val132Met; replaces valine 132 with methionine.
Molecular consequence: missense variant. On other transcripts: 5 prime UTR variant (1).
Genome position (GRCh38, 1-based): chr6:43,006,982, G>A. VCF-style: chr6-43006982-G-A. GRCh37 (hg19) VCF-style: chr6-42974720-G-A.
Other names: c.-60G>A (NM_001270476.2); c.298G>A, p.Val100Met (NM_180976.3); c.76G>A, p.Val26Met (NM_180977.3); short protein forms V100M, V132M, V26M.
Identifiers: ClinVar variation 1341738 (VCV001341738.1), dbSNP rs1437337804, ClinGen allele CA364182681.
Genomic context (GRCh38, chr6:43,006,982, plus strand): 5'-CAGGAGCGGGAGGAGCTGTTTATCCAGAAGCTACGCCAGTGCTGTGTCCTCTTTGACTTC[G>A]TGTCAGACCCACTCAGTGACCTCAAATTCAAGGAGGTGAAGCGGGCAGGACTCAACGAGA-3'
Protein context (NP_006236.1, residues 122-142): LRQCCVLFDF[Val132Met]SDPLSDLKFK

ClinVar aggregate classification (germline): Uncertain significance (1 of 4 stars; one submission).

Conditions:
Houge-Janssens syndrome 1. Also called: INTELLECTUAL DEVELOPMENTAL DISORDER, AUTOSOMAL DOMINANT 35; PPP2R5D-Related Neurodevelopmental Disorder; Intellectual disability-macrocephaly-hypotonia-behavioral abnormalities syndrome; Hogue-Janssens syndrome 1. Identifiers: Orphanet 457279, MedGen C5779996, MONDO:0014602, OMIM 616355.

Allele frequency attached by ClinVar (database versions not stated): gnomAD exomes 0.00001.
gnomAD v4.1: 5 of 1,614,150 alleles (0.00031%); highest among the groups gnomAD compares: South Asian, 0.0011%; no homozygotes.

Submission:

New York Genome Center
Classification: Uncertain significance for Houge-Janssens syndrome 1. Last evaluated: 2020-12-29. Review status: criteria provided, single submitter. Criteria: NYGC Assertion Criteria 2020. Collection method: clinical testing. Allele origin: germline. Observed: 1 heterozygote. Study: CSER-NYCKidSeq.
Comment: The c.394G>A (p.Val132Met) missense variant in exon 4 of 16 of PPP2R5D in the B56 conserved domain has not been reported in affected individuals in the available literature. This variant is absent in gnomAD v3 and present at a very low frequency in gnomAD v2.1 (2 heterozygotes, allele frequency=0.000007953, no homozygotes) indicating it is not a common benign variant in the populations represented in this database. In silico predictors suggest this variant is benign (REVEL; score: 0.08) and tolerated (SIFT; score: 0.59). Given the lack of inheritance data and functional studies supporting its pathogenicity, the c.394G>A (p.Val132Met) variant identified in the PPP2R5D gene is reported as a Variant of Uncertain Significance.